The following is an entry in ClinVar:

ClinVar aggregate classification (germline): Likely benign (0 of 4 stars; one submission).

Conditions:
NPRL2-related disorder. Also called: NPRL2-related condition.

Allele frequency attached by ClinVar (database versions not stated): gnomAD 0.00001; ExAC 0.00002; gnomAD exomes 0.00002; TOPMed 0.00002; 1000 Genomes Project 30x 0.00016; 1000 Genomes Project 0.00020.
gnomAD v4.1: 31 of 1,614,096 alleles (0.0019%); highest among the groups gnomAD compares: East Asian, 0.011%; no homozygotes.

Submission:

PreventionGenetics, part of Exact Sciences
Classification: Likely benign for NPRL2-related condition. Last evaluated: 2019-09-17. Review status: no assertion criteria provided. Collection method: clinical testing. Allele origin: germline.
Comment: This variant is classified as likely benign based on ACMG/AMP sequence variant interpretation guidelines (Richards et al. 2015 PMID: 25741868, with internal and published modifications).

NM_006545.5(NPRL2):c.690C>T (p.Tyr230=)

Gene: NPRL2 (NPR2 like, GATOR1 complex subunit; minus strand). Cytogenetic location: 3p21.31.
Variant type: single nucleotide variant.
Coding change: c.690C>T on transcript NM_006545.5 (MANE Select); coding-DNA position 690, C replaced by T.
Protein change: p.Tyr230=; no amino-acid change (tyrosine 230 retained).
Molecular consequence: synonymous variant.
Genome position (GRCh38, 1-based): chr3:50,348,557, G>A on the plus strand (C>T on the coding strand, the complement: NPRL2 is on the minus strand). VCF-style: chr3-50348557-G-A. GRCh37 (hg19) VCF-style: chr3-50385988-G-A.
Identifiers: ClinVar variation 3041051 (VCV003041051.2), dbSNP rs200397109, ClinGen allele CA2417516.
Genomic context (GRCh38, chr3:50,348,557, plus strand): 5'-TCTCCACTTAACCAAACCCAACTCACCTACCTGGAGGATGGACACCAGTGTCACAACGCC[G>A]TAGTACCTGAGAGAGAGAGCTGTGCTCAGCTTCTGAGGACCATGCCTTCCCAACCCTCAC-3'
Protein context (NP_006536.3, residues 220-240): VRIAIQNLLY[Tyr230=]GVVTLVSILQ